The following is an entry in ClinVar:

NM_001184.4(ATR):c.217C>A (p.Gln73Lys)

Gene: ATR (ATR checkpoint kinase; minus strand). Cytogenetic location: 3q23.
Variant type: single nucleotide variant.
Coding change: c.217C>A on transcript NM_001184.4 (MANE Select); coding-DNA position 217, C replaced by A.
Protein change: p.Gln73Lys; replaces glutamine 73 with lysine.
Molecular consequence: missense variant.
Genome position (GRCh38, 1-based): chr3:142,566,196, G>T on the plus strand (C>A on the coding strand, the complement: ATR is on the minus strand). VCF-style: chr3-142566196-G-T. GRCh37 (hg19) VCF-style: chr3-142285038-G-T.
Other names: c.217C>A, p.Gln73Lys (NM_001354579.2); short protein forms Q73K.
Identifiers: ClinVar variation 1787236 (VCV001787236.2), dbSNP rs2108494254, ClinGen allele CA354828544.
Genomic context (GRCh38, chr3:142,566,196, plus strand): 5'-TGGCCTCATGGCTTCCACTCACATTTACAAACATAAGTGGGGAGGATTTCATGATATGCT[G>T]GATGAAATCAAGCAACATCACGGAGGTTGGCTGAGAGTCAGTTTTCTTTACAAGTTCTAC-3'
Protein context (NP_001175.2, residues 63-83): PTSVMLLDFI[Gln73Lys]HIMKSSPLMF

ClinVar aggregate classification (germline): Uncertain significance (1 of 4 stars; one submission).

Conditions:
Inborn genetic diseases. Identifiers: MedGen C0950123, MeSH D030342.

Submission:

Ambry Genetics
Classification: Uncertain significance for Inborn genetic diseases. Last evaluated: 2022-03-01. Review status: criteria provided, single submitter. Criteria: Ambry Variant Classification Scheme 2023. Collection method: clinical testing. Allele origin: germline.
Comment: The p.Q73K variant (also known as c.217C>A), located in coding exon 3 of the ATR gene, results from a C to A substitution at nucleotide position 217. The glutamine at codon 73 is replaced by lysine, an amino acid with similar properties. This amino acid position is conserved. In addition, this alteration is predicted to be tolerated by in silico analysis. Since supporting evidence is limited at this time, the clinical significance of this alteration remains unclear.